The following is an entry in ClinVar:

NM_001009944.3(PKD1):c.10771T>C (p.Ser3591Pro)

Genes: PKD1 (polycystin 1, transient receptor potential channel interacting; minus strand), PKD1-AS1 (PKD1 antisense RNA 1; plus strand). Cytogenetic location: 16p13.3.
Variant type: single nucleotide variant.
Coding change: c.10771T>C on transcript NM_001009944.3 (MANE Select); coding-DNA position 10771, T replaced by C.
Protein change: p.Ser3591Pro; replaces serine 3591 with proline.
Molecular consequence: missense variant.
Genome position (GRCh38, 1-based): chr16:2,093,861, A>G on the plus strand (T>C on the coding strand, the complement: PKD1 is on the minus strand). VCF-style: chr16-2093861-A-G. GRCh37 (hg19) VCF-style: chr16-2143862-A-G.
Other names: c.10768T>C, p.Ser3590Pro (NM_000296.4); short protein forms S3590P, S3591P.
Identifiers: ClinVar variation 3235958 (VCV003235958.1), dbSNP rs2544650348, ClinGen allele CA394340023.
Genomic context (GRCh38, chr16:2,093,861, plus strand): 5'-GCCCCCTCACCTTCAGTGGCTCCCAGCCGAGGAATGAGGCCAGGAAGCTGGCGCTGCTGG[A>G]CAGGAGCCACGCAACACTCACGCCCGGGGGGAAGCTCGCACCCACCCACCCTGAGACAGC-3'
Protein context (NP_001009944.3, residues 3581-3601): PPGVSVAWLL[Ser3591Pro]SSASFLASFL

ClinVar aggregate classification (germline): Uncertain significance (1 of 4 stars; one submission).

Conditions:
Polycystic kidney disease, adult type (PKD1). Also called: Polycystic Kidney Disease 1, Autosomal Dominant; Polycystic kidney disease 1; Polycystic kidney disease 1, severe; Polycystic Kidney, Autosomal Dominant; POLYCYSTIC KIDNEY DISEASE 1 WITH OR WITHOUT POLYCYSTIC LIVER DISEASE; POLYCYSTIC KIDNEY DISEASE, ADULT, TYPE I. Identifiers: MedGen C3149841, MONDO:0008263, OMIM 173900.

Submission:

MVZ Medizinische Genetik Mainz
Classification: Uncertain significance for Polycystic kidney disease, adult type. Last evaluated: 2022-03-10. Review status: criteria provided, single submitter. Criteria: UK Practice Guidelines For Variant Classification V4 01 2020. Collection method: clinical testing. Allele origin: germline. Inheritance: Unknown mechanism. Affected: yes. Observed: 1 variant allele.
Comment: ACMG Criteria: PM2_SUP, PM5_SUP, PP4